The following is an entry in ClinVar:

NM_001366521.1(ATP2B1):c.682G>A (p.Gly228Ser)

Gene: ATP2B1 (ATPase plasma membrane Ca2+ transporting 1; minus strand). Cytogenetic location: 12q21.33.
Variant type: single nucleotide variant.
Coding change: c.682G>A on transcript NM_001366521.1 (MANE Select); coding-DNA position 682, G replaced by A.
Protein change: p.Gly228Ser; replaces glycine 228 with serine.
Molecular consequence: missense variant. On other transcripts: intron variant (5), non-coding transcript variant (3).
Genome position (GRCh38, 1-based): chr12:89,634,883, C>T on the plus strand (G>A on the coding strand, the complement: ATP2B1 is on the minus strand). VCF-style: chr12-89634883-C-T. GRCh37 (hg19) VCF-style: chr12-90028660-C-T.
Other names: c.682G>A, p.Gly228Ser (NM_001001323.2, NM_001366520.1, NM_001366522.1 and 17 more transcripts); c.484G>A, p.Gly162Ser (NM_001366530.1, NM_001413053.1); c.406+7275G>A (NM_001413060.1, NM_001366531.1, NM_001413058.1 and 2 more transcripts); c.427G>A, p.Gly143Ser (NM_001413056.1); c.229G>A, p.Gly77Ser (NM_001413057.1); short protein forms G143S, G162S, G228S, G77S.
Identifiers: ClinVar variation 4086410 (VCV004086410.2).

ClinVar aggregate classification (germline): Uncertain significance (1 of 4 stars; one submission).

Submission:

GeneDx
Classification: Uncertain significance. Last evaluated: 2026-10-13. Review status: criteria provided, single submitter. Criteria: GeneDx Variant Classification Process June 2021. Collection method: clinical testing. Allele origin: germline.
Comment: Not observed at significant frequency in large population cohorts (gnomAD); In silico analysis supports that this missense variant has a deleterious effect on protein structure/function; Has not been previously published as pathogenic or benign to our knowledge